The following is an entry in ClinVar:

NM_170682.4(P2RX2):c.971G>A (p.Arg324His)

Gene: P2RX2 (purinergic receptor P2X 2; plus strand). Cytogenetic location: 12q24.33.
Variant type: single nucleotide variant.
Coding change: c.971G>A on transcript NM_170682.4 (MANE Select); coding-DNA position 971, G replaced by A.
Protein change: p.Arg324His; replaces arginine 324 with histidine.
Molecular consequence: missense variant.
Genome position (GRCh38, 1-based): chr12:132,621,320, G>A. VCF-style: chr12-132621320-G-A. GRCh37 (hg19) VCF-style: chr12-133197906-G-A.
Other names: c.869G>A, p.Arg290His (NM_001282164.2); c.971G>A, p.Arg324His (NM_001282165.2, NM_170683.4, NM_174873.3); c.755G>A, p.Arg252His (NM_012226.5); c.899G>A, p.Arg300His (NM_016318.4); c.695G>A, p.Arg232His (NM_174872.3); short protein forms R252H, R290H, R300H, R232H, R324H.
Identifiers: ClinVar variation 1382385 (VCV001382385.8), dbSNP rs147592928, ClinGen allele CA6891739.

ClinVar aggregate classification (germline): Uncertain significance (1 of 4 stars; one submission).

Allele frequency attached by ClinVar (database versions not stated): ExAC 0.00002; ESP Exome Variant Server 0.00008; TOPMed 0.00011; 1000 Genomes Project 30x 0.00016; gnomAD exomes 0.00002; gnomAD 0.00006 and 0.00007; 1000 Genomes Project 0.00020.
gnomAD v4.1: 33 of 1,614,032 alleles (0.002%); highest among the groups gnomAD compares: African/African-American, 0.028%; no homozygotes.

Submission:

Labcorp Genetics (formerly Invitae), Labcorp
Classification: Uncertain significance. Last evaluated: 2022-03-10. Review status: criteria provided, single submitter. Criteria: Invitae Variant Classification Sherloc (09022015). Collection method: clinical testing. Allele origin: germline.
Comment: In summary, the available evidence is currently insufficient to determine the role of this variant in disease. Therefore, it has been classified as a Variant of Uncertain Significance. Algorithms developed to predict the effect of missense changes on protein structure and function are either unavailable or do not agree on the potential impact of this missense change (SIFT: "Deleterious"; PolyPhen-2: "Probably Damaging"; Align-GVGD: "Class C0"). This variant has not been reported in the literature in individuals affected with P2RX2-related conditions. This variant is present in population databases (rs147592928, gnomAD 0.04%). This sequence change replaces arginine, which is basic and polar, with histidine, which is basic and polar, at codon 324 of the P2RX2 protein (p.Arg324His).